The following is an entry in ClinVar:

ClinVar aggregate classification (germline): Uncertain significance (1 of 4 stars; one submission).

Allele frequency attached by ClinVar (database versions not stated): ESP Exome Variant Server 0.00008.
gnomAD v4.1: 20 of 1,613,792 alleles (0.0012%); highest among the groups gnomAD compares: African/African-American, 0.0027%; no homozygotes.

Submission:

Ambry Genetics
Classification: Uncertain significance. Last evaluated: 2022-02-14. Review status: criteria provided, single submitter. Criteria: Ambry Variant Classification Scheme 2023. Collection method: clinical testing. Allele origin: germline.
Comment: The p.R18L variant (also known as c.53G>T), located in coding exon 1 of the PKP4 gene, results from a G to T substitution at nucleotide position 53. The arginine at codon 18 is replaced by leucine, an amino acid with dissimilar properties. This amino acid position is conserved. In addition, this alteration is predicted to be tolerated by in silico analysis. Since supporting evidence is limited at this time, the clinical significance of this alteration remains unclear.

NM_003628.6(PKP4):c.53G>T (p.Arg18Leu)

Gene: PKP4 (plakophilin 4; plus strand). Cytogenetic location: 2q24.1.
Variant type: single nucleotide variant.
Coding change: c.53G>T on transcript NM_003628.6 (MANE Select); coding-DNA position 53, G replaced by T.
Protein change: p.Arg18Leu; replaces arginine 18 with leucine.
Molecular consequence: missense variant. On other transcripts: 5 prime UTR variant (1).
Genome position (GRCh38, 1-based): chr2:158,533,237, G>T. VCF-style: chr2-158533237-G-T. GRCh37 (hg19) VCF-style: chr2-159389749-G-T.
Other names: c.53G>T, p.Arg18Leu (NM_001005476.4, NM_001304969.3, NM_001304971.2 and 9 more transcripts); c.-897G>T (NM_001304970.3); short protein forms R18L.
Identifiers: ClinVar variation 1747300 (VCV001747300.2), dbSNP rs199631736, ClinGen allele CA1920253.
Genomic context (GRCh38, chr2:158,533,237, plus strand): 5'-CAGGAGGAATGCCAGCTCCTGAGCAGGCCTCATTGGTGGAGGAGGGGCAACCACAGACCC[G>T]CCAGGAAGCTGCCTCCACTGGCCCAGGCATGGAACCCGAGACCACAGCCACCACTATTCT-3'
Protein context (NP_003619.2, residues 8-28): SLVEEGQPQT[Arg18Leu]QEAASTGPGM